The following is an entry in ClinVar:

NM_001370.2(DNAH6):c.836G>A (p.Trp279Ter)

Gene: DNAH6 (dynein axonemal heavy chain 6; plus strand). Cytogenetic location: 2p11.2.
Variant type: single nucleotide variant.
Coding change: c.836G>A on transcript NM_001370.2 (MANE Select); coding-DNA position 836, G replaced by A.
Protein change: p.Trp279Ter; replaces tryptophan 279 with a stop codon.
Molecular consequence: nonsense.
Genome position (GRCh38, 1-based): chr2:84,544,406, G>A. VCF-style: chr2-84544406-G-A. GRCh37 (hg19) VCF-style: chr2-84771530-G-A.
Other names: short protein forms W279*.
Identifiers: ClinVar variation 3351560 (VCV003351560.1).

ClinVar aggregate classification (germline): Uncertain significance (0 of 4 stars; one submission).

Conditions:
DNAH6-related disorder. Also called: DNAH6-related condition.

gnomAD v4.1: 89 of 1,544,262 alleles (0.0058%); highest among the groups gnomAD compares: Non-Finnish European, 0.0072%; no homozygotes.

Submission:

PreventionGenetics, part of Exact Sciences
Classification: Uncertain significance for DNAH6-related condition. Last evaluated: 2024-08-08. Review status: no assertion criteria provided. Collection method: clinical testing. Allele origin: germline.
Comment: The DNAH6 c.836G>A variant is predicted to result in premature protein termination (p.Trp279*). To our knowledge, this variant has not been reported in the literature and no chain-terminating variants have been reported 5' to this variant. This variant is reported in 0.0083% of alleles in individuals of European (Non-Finnish) descent in gnomAD. At this time, the clinical significance of this variant is uncertain due to the absence of conclusive functional and genetic evidence.